The following is an entry in ClinVar:

ClinVar aggregate classification (germline): Pathogenic (1 of 4 stars; one submission).

Conditions:
Eichsfeld type congenital muscular dystrophy (CMYO3). Also called: MYOPATHY, SEPN1-RELATED; Rigid spine muscular dystrophy 1; SELENON-related myopathy; Congenital myopathy 3 with rigid spine. Identifiers: MedGen C0410180, MONDO:0100100, OMIM 602771.

Submission:

Labcorp Genetics (formerly Invitae), Labcorp
Classification: Pathogenic for Eichsfeld type congenital muscular dystrophy. Last evaluated: 2025-07-14. Review status: criteria provided, single submitter. Criteria: Invitae Variant Classification Sherloc (09022015). Collection method: clinical testing. Allele origin: germline.
Comment: This sequence change creates a premature translational stop signal (p.Arg5Glyfs*81) in the SELENON gene. It is expected to result in an absent or disrupted protein product. Loss-of-function variants in SELENON are known to be pathogenic (PMID: 21131290, 21670436). The frequency data for this variant in the population databases is considered unreliable, as metrics indicate insufficient coverage at this position in the gnomAD database. This variant has not been reported in the literature in individuals affected with SELENON-related conditions. For these reasons, this variant has been classified as Pathogenic.

Literature cited by the submitters: PubMed 21131290; PubMed 21670436.

NM_206926.2(SELENON):c.3_12dup (p.Arg5fs)

Gene: SELENON (selenoprotein N; plus strand). Cytogenetic location: 1p36.11.
Variant type: Microsatellite.
Coding change: c.3_12dup on transcript NM_206926.2 (MANE Select); coding-DNA positions 3 to 12, 10 bases duplicated (GGGCCGGGCC; older notation c.3_12dupGGGCCGGGCC).
Protein change: p.Arg5fs; shifts the reading frame from arginine 5.
Molecular consequence: frameshift variant, initiator codon variant.
Genome position (GRCh38, 1-based): chr1:25,800,233-25,800,242, GGGCCGGGCC duplicated. VCF-style (leftmost placement, unchanged base first): chr1-25800232-T-TGGGCCGGGCC. GRCh37 (hg19) VCF-style: chr1-26126723-T-TGGGCCGGGCC.
Other names: c.3_12dup, p.Arg5fs (NM_020451.3); short protein forms R5fs.
Identifiers: ClinVar variation 4751075 (VCV004751075.1).